The following is an entry in ClinVar:

NM_001365999.1(SZT2):c.8822G>T (p.Arg2941Leu)

Gene: SZT2 (SZT2 subunit of KICSTOR complex; plus strand). Cytogenetic location: 1p34.2.
Variant type: single nucleotide variant.
Coding change: c.8822G>T on transcript NM_001365999.1 (MANE Select); coding-DNA position 8822, G replaced by T.
Protein change: p.Arg2941Leu; replaces arginine 2941 with leucine.
Molecular consequence: missense variant.
Genome position (GRCh38, 1-based): chr1:43,443,793, G>T. VCF-style: chr1-43443793-G-T. GRCh37 (hg19) VCF-style: chr1-43909464-G-T.
Other names: c.8651G>T, p.Arg2884Leu (NM_015284.4); c.263G>T, p.Arg88Leu (NM_024547.1); short protein forms R2884L, R2941L, R88L.
Identifiers: ClinVar variation 2096913 (VCV002096913.4), dbSNP rs202113628, ClinGen allele CA340040564.
Genomic context (GRCh38, chr1:43,443,793, plus strand): 5'-TGCAGTATCTGCAGAGCATAGGTTTTGTGCTGGTACCACTGCGGCCCCCCTCACCCGCCC[G>T]CAGGTGAGCCCGTCCCTGTTTTCCCTTCTGTCTTCTCCTCCTGCACTGCAAGTGAGGCCC-3'
Protein context (NP_001352928.1, residues 2931-2951): LVPLRPPSPA[Arg2941Leu]STSRPRAMAI

ClinVar aggregate classification (germline): Uncertain significance (1 of 4 stars; one submission).

Submission:

Labcorp Genetics (formerly Invitae), Labcorp
Classification: Uncertain significance. Last evaluated: 2022-02-11. Review status: criteria provided, single submitter. Criteria: Invitae Variant Classification Sherloc (09022015). Collection method: clinical testing. Allele origin: germline.
Comment: This variant is not present in population databases (gnomAD no frequency). This sequence change replaces arginine, which is basic and polar, with leucine, which is neutral and non-polar, at codon 2884 of the SZT2 protein (p.Arg2884Leu). This variant has not been reported in the literature in individuals affected with SZT2-related conditions. Algorithms developed to predict the effect of missense changes on protein structure and function are either unavailable or do not agree on the potential impact of this missense change (SIFT: "Deleterious"; PolyPhen-2: "Probably Damaging"; Align-GVGD: "Class C0"). In summary, the available evidence is currently insufficient to determine the role of this variant in disease. Therefore, it has been classified as a Variant of Uncertain Significance.